The following is an entry in ClinVar:

NM_001041.4(SI):c.4721C>G (p.Thr1574Ser)

Gene: SI (sucrase-isomaltase; minus strand). Cytogenetic location: 3q26.1.
Variant type: single nucleotide variant.
Coding change: c.4721C>G on transcript NM_001041.4 (MANE Select); coding-DNA position 4721, C replaced by G.
Protein change: p.Thr1574Ser; replaces threonine 1574 with serine.
Molecular consequence: missense variant.
Genome position (GRCh38, 1-based): chr3:164,994,377, G>C on the plus strand (C>G on the coding strand, the complement: SI is on the minus strand). VCF-style: chr3-164994377-G-C. GRCh37 (hg19) VCF-style: chr3-164712165-G-C.
Other names: p.Thr1574Ser; short protein forms T1574S.
Identifiers: ClinVar variation 733604 (VCV000733604.15), dbSNP rs139908762, ClinGen allele CA2689801.

ClinVar aggregate classification (germline): Conflicting classifications of pathogenicity. Review status: criteria provided, conflicting classifications (1 of 4 stars). 4 submissions from 4 submitters: Uncertain significance (1); Benign (1); Likely benign (1). 1 of the submissions does not count toward it. Last evaluated 2026-01-26.

Conditions:
Inborn genetic diseases. Identifiers: MedGen C0950123, MeSH D030342.
SI-related disorder. Also called: SI-related condition.

Allele frequency attached by ClinVar (database versions not stated): gnomAD exomes 0.00013 and 0.00037; ExAC 0.00045; 1000 Genomes Project 30x 0.00078; 1000 Genomes Project 0.00100; ESP Exome Variant Server 0.00154; gnomAD 0.00155 and 0.00169; TOPMed 0.00174.
gnomAD v4.1: 422 of 1,611,080 alleles (0.026%); highest among the groups gnomAD compares: African/African-American, 0.51%; 3 homozygotes.

Submissions (4):

Labcorp Genetics (formerly Invitae), Labcorp
Classification: Benign. Last evaluated: 2026-01-26. Review status: criteria provided, single submitter. Criteria: Invitae Variant Classification Sherloc (09022015). Collection method: clinical testing. Allele origin: germline.

Mayo Clinic Laboratories, Mayo Clinic
Classification: Likely benign. Last evaluated: 2025-10-16. Review status: criteria provided, single submitter. Criteria: ACMG Guidelines, 2015. Collection method: clinical testing. Allele origin: germline. Observed: 1 variant allele.
Comment: BS1, BP4

Ambry Genetics
Classification: Uncertain significance for Inborn genetic diseases. Last evaluated: 2023-04-11. Review status: criteria provided, single submitter. Criteria: Ambry Variant Classification Scheme 2023. Collection method: clinical testing. Allele origin: germline.

PreventionGenetics, part of Exact Sciences
Classification: Likely benign for SI-related condition. Last evaluated: 2019-10-02. Review status: no assertion criteria provided. Collection method: clinical testing. Allele origin: germline. Not counted in ClinVar's aggregate classification.
Comment: This variant is classified as likely benign based on ACMG/AMP sequence variant interpretation guidelines (Richards et al. 2015 PMID: 25741868, with internal and published modifications).